The following is an entry in ClinVar:

ClinVar aggregate classification (germline): Pathogenic (1 of 4 stars; one submission).

Conditions:
Duchenne muscular dystrophy (DMD). Also called: MUSCULAR DYSTROPHY, PSEUDOHYPERTROPHIC PROGRESSIVE, DUCHENNE TYPE; Duchenne Muscular Dystrophy (DMD). Identifiers: Orphanet 98896, MedGen C0013264, MONDO:0010679, OMIM 310200.

Submission:

Labcorp Genetics (formerly Invitae), Labcorp
Classification: Pathogenic for Duchenne muscular dystrophy. Last evaluated: 2020-04-28. Review status: criteria provided, single submitter. Criteria: Invitae Variant Classification Sherloc (09022015). Collection method: clinical testing. Allele origin: germline.
Comment: For these reasons, this variant has been classified as Pathogenic. Loss-of-function variants in DMD are known to be pathogenic (PMID: 16770791, 25007885). This variant has not been reported in the literature in individuals with DMD-related conditions. This variant is not present in population databases (ExAC no frequency). This sequence change creates a premature translational stop signal (p.Thr3548Asnfs*10) in the DMD gene. It is expected to result in an absent or disrupted protein product.

Literature cited by the submitters: PubMed 16770791; PubMed 25007885.

NM_004006.3(DMD):c.10642dup (p.Thr3548fs)

Gene: DMD (dystrophin; minus strand). Cytogenetic location: Xp21.2.
Variant type: Duplication.
Coding change: c.10642dup on transcript NM_004006.3 (MANE Select); coding-DNA position 10642, one base duplicated (A; older notation c.10642dupA).
Protein change: p.Thr3548fs; shifts the reading frame from threonine 3548.
Molecular consequence: frameshift variant.
Genome position (GRCh38, 1-based): chrX:31,147,430, T duplicated on the plus strand (A on the coding strand, the reverse complement: DMD is on the minus strand). VCF-style (leftmost placement, unchanged base first): chrX-31147429-G-GT. GRCh37 (hg19) VCF-style: chrX-31165546-G-GT.
Other names: c.10618dup, p.Thr3540fs (NM_000109.4); c.10630dup, p.Thr3544fs (NM_004009.3); c.10273dup, p.Thr3425fs (NM_004010.3); c.6619dup, p.Thr2207fs (NM_004011.4); c.6610dup, p.Thr2204fs (NM_004012.4); c.3262dup, p.Thr1088fs (NM_004013.3, NM_004021.3); c.2455dup, p.Thr819fs (NM_004014.3); c.1438dup, p.Thr480fs (NM_004015.3, NM_004016.3); and 3 more; short protein forms T1075fs, T1088fs, T2204fs, T2207fs, T3425fs, T3540fs, T3544fs, T3548fs.
Identifiers: ClinVar variation 1072774 (VCV001072774.7), dbSNP rs2147934840, ClinGen allele CA2499226614.